The following is an entry in ClinVar:

NM_004304.5(ALK):c.3359+4A>G

Gene: ALK (ALK receptor tyrosine kinase; minus strand). Cytogenetic location: 2p23.2.
Variant type: single nucleotide variant.
Coding change: c.3359+4A>G on transcript NM_004304.5 (MANE Select); 4 bases into the intron after coding-DNA position 3359, A replaced by G.
Molecular consequence: intron variant.
Genome position (GRCh38, 1-based): chr2:29,223,338, T>C on the plus strand (A>G on the coding strand, the complement: ALK is on the minus strand). VCF-style: chr2-29223338-T-C. GRCh37 (hg19) VCF-style: chr2-29446204-T-C.
Other names: c.155+4A>G (NM_001353765.2).
Identifiers: ClinVar variation 823658 (VCV000823658.12), dbSNP rs1573125072, ClinGen allele CA915943765.
Genomic context (GRCh38, chr2:29,223,338, plus strand): 5'-CTGTGATAACATTCAGCCCCTACACTGCACCCCTCTCCTCCCAGGACGGCAGCAGGGCGC[T>C]CACCGAATGAGGGTGATGTTTTTCCGCGGCACCTCCTTCAGGTCACTGATGGAGGAGGTC-3'

ClinVar aggregate classification (germline): Uncertain significance. Review status: criteria provided, multiple submitters, no conflicts (2 of 4 stars). 3 submissions from 3 submitters: Uncertain significance (3). Last evaluated 2026-02-03.

Conditions:
Neuroblastoma, susceptibility to, 3. Also called: ALK-Related Neuroblastic Tumor Susceptibility. Identifiers: Orphanet 635, MedGen C2751681, MONDO:0013083, OMIM 613014.
Hereditary cancer-predisposing syndrome. Also called: Hereditary Cancer Syndrome; Tumor predisposition; Neoplastic Syndromes, Hereditary; Hereditary neoplastic syndrome. Identifiers: Orphanet 140162, MedGen C0027672, MeSH D009386, MONDO:0015356.

Allele frequency attached by ClinVar (database versions not stated): gnomAD exomes 0.00001.
gnomAD v4.1: 4 of 1,613,990 alleles (0.00025%); highest among the groups gnomAD compares: Non-Finnish European, 0.00034%; no homozygotes.

Submissions (3):

Ambry Genetics
Classification: Uncertain significance for Hereditary cancer-predisposing syndrome. Last evaluated: 2026-02-03. Review status: criteria provided, single submitter. Criteria: Ambry Variant Classification Scheme 2023. Collection method: clinical testing. Allele origin: germline.
Comment: The c.3359+4A>G intronic variant results from an A to G substitution 4 nucleotides after coding exon 20 in the ALK gene. This nucleotide position is well conserved in available vertebrate species. In silico splice site analysis predicts that this alteration may result in the creation or strengthening of a novel splice donor site. Based on the available evidence, the clinical significance of this variant remains unclear.

Labcorp Genetics (formerly Invitae), Labcorp
Classification: Uncertain significance for Neuroblastoma, susceptibility to, 3. Last evaluated: 2025-09-21. Review status: criteria provided, single submitter. Criteria: Invitae Variant Classification Sherloc (09022015). Collection method: clinical testing. Allele origin: germline.
Comment: This sequence change falls in intron 20 of the ALK gene. It does not directly change the encoded amino acid sequence of the ALK protein. It affects a nucleotide within the consensus splice site. This variant is not present in population databases (gnomAD no frequency). This variant has not been reported in the literature in individuals affected with ALK-related conditions. ClinVar contains an entry for this variant (Variation ID: 823658). Variants that disrupt the consensus splice site are a relatively common cause of aberrant splicing (PMID: 17576681, 9536098). Algorithms developed to predict the effect of sequence changes on RNA splicing suggest that this variant may create or strengthen a splice site. In summary, the available evidence is currently insufficient to determine the role of this variant in disease. Therefore, it has been classified as a Variant of Uncertain Significance.

St. Jude Molecular Pathology, St. Jude Children's Research Hospital
Classification: Uncertain significance for Neuroblastoma, susceptibility to, 3. Last evaluated: 2023-03-27. Review status: criteria provided, single submitter. Criteria: St. Jude Assertion Criteria 2020. Collection method: clinical testing. Allele origin: germline.
Comment: The ALK c.3359+4A>G intronic change results in an A to G substitution at the +4 position of intron 20 of the ALK gene. Algorithms that predict the impact of sequence changes on splicing indicate that this change may result in the activation of a cryptic donor site, however RNA data is not available to confirm this prediction. This variant is absent in gnomAD v2.1.1. To our knowledge, this variant has not been reported in the literature in individuals with ALK-related neuroblastic tumor susceptibility. In summary, the evidence currently available is insufficient to determine the clinical significance of this variant. It has therefore been classified as of uncertain significance.

Literature cited by the submitters: PubMed 17576681 (cited by Labcorp Genetics (formerly Invitae), Labcorp); PubMed 9536098 (cited by Labcorp Genetics (formerly Invitae), Labcorp).